The following continues an entry in ClinVar:

NM_001048174.2(MUTYH):c.1192C>T (p.Arg398Cys)

Gene: MUTYH. ClinVar aggregate classification (germline): Conflicting classifications of pathogenicity. Uncertain significance (12); Likely benign (11).

Submissions 10 to 27 of 27:

ARUP Laboratories, Molecular Genetics and Genomics, ARUP Laboratories
Classification: Likely benign. Last evaluated: 2024-12-31. Review status: criteria provided, single submitter. Criteria: ARUP Molecular Germline Variant Investigation Process 2024. Collection method: clinical testing. Allele origin: germline.

Blueprint Genetics
Classification: Likely benign. Last evaluated: 2024-11-19. Review status: criteria provided, single submitter. Criteria: ACMG Guidelines, 2015. Collection method: clinical testing. Allele origin: germline.

All of Us Research Program, National Institutes of Health
Classification: Likely benign for Familial adenomatous polyposis 2. Last evaluated: 2024-10-01. Review status: criteria provided, single submitter. Criteria: ACMG Guidelines, 2015. Collection method: clinical testing. Allele origin: germline. Inheritance: Autosomal recessive inheritance. Observed: 340 variant alleles, 340 heterozygotes.
Comment: This study involves interpretation of variants in research participants for the purpose of population health screening. Participant phenotype was not available at the time of variant classification. Additional details can be found in publication PMID: 35346344, PMCID: PMC8962531

Mendelics
Classification: Likely benign for Hereditary cancer. Last evaluated: 2024-01-23. Review status: criteria provided, single submitter. Criteria: ACMG Guidelines, 2015. Collection method: clinical testing. Allele origin: unknown.

MGZ Medical Genetics Center
Classification: Uncertain significance for Familial adenomatous polyposis 2. Last evaluated: 2022-03-25. Review status: criteria provided, single submitter. Criteria: ACMG Guidelines, 2015. Collection method: clinical testing. Allele origin: germline. Affected: yes. Observed: 1 variant allele.
Comment: ACMG criteria applied: BP4

Genetic Services Laboratory, University of Chicago
Classification: Uncertain significance. Last evaluated: 2022-01-04. Review status: criteria provided, single submitter. Criteria: ACMG Guidelines, 2015. Collection method: clinical testing. Allele origin: germline. Affected: no.
Comment: DNA sequence analysis of the MUTYH gene demonstrated a sequence change, c.1276C>T, in exon 13 that results in an amino acid change, p.Arg426Cys. This sequence change has been described in the gnomAD database with a frequency of 0.15% in the non-Finnish European sub-population (dbSNP rs150792276). The p.Arg426Cys change affects a poorly conserved amino acid residue located in a domain of the MUTYH protein that is not known to be functional. In-silico pathogenicity prediction tools (SIFT, PolyPhen2, Align GVGD, REVEL) provide contradictory results for the p.Arg426Cys substitution. The p.Arg426Cys sequence change has been reported in the heterozygous state in multiple individuals with colorectal cancer (PMIDs: 16134147, 16557584, 17524638, 19531215, 20687945, 24470512, 25980754), two individuals with breast cancer (PMID: 26976419), and one individual with lung cancer (PMID: 14579148). Functional studies using a yeast complementation assay demonstrated that MUTYH p.Arg426Cys had base excision repair activity similar to wild-type (PMID: 25820570). Due to these contrasting evidences, the clinical significance of the p.Arg426Cys change remains unknown at this time.

Institute for Clinical Genetics, University Hospital TU Dresden, University Hospital TU Dresden
Classification: Uncertain significance. Last evaluated: 2021-11-03. Review status: criteria provided, single submitter. Criteria: ACMG Guidelines, 2015. Collection method: clinical testing. Allele origin: germline.

GeneDx
Classification: Likely benign. Last evaluated: 2021-06-10. Review status: criteria provided, single submitter. Criteria: GeneDx Variant Classification Process June 2021. Collection method: clinical testing. Allele origin: germline. Affected: yes.
Comment: This variant is associated with the following publications: (PMID: 16134147, 25980754, 30564557, 22703879, 24470512, 16557584, 19531215, 14991577, 22976915, 25820570, 20687945, 21777424, 17524638, 25569433, 27829682, 26976419, 25862857, 27621404, 27498913, 26898890, 16616356, 28944238, 31159747, 33383211, 23108399)

Ambry Genetics
Classification: Likely benign for Hereditary cancer-predisposing syndrome. Last evaluated: 2019-04-27. Review status: criteria provided, single submitter. Criteria: Ambry Variant Classification Scheme 2023. Collection method: clinical testing. Allele origin: germline.

Department of Pathology and Laboratory Medicine, Sinai Health System
Classification: Uncertain significance for Familial adenomatous polyposis 2. Last evaluated: 2019-04-06. Review status: criteria provided, single submitter. Criteria: ACMG Guidelines, 2015. Collection method: research. Allele origin: germline.

GeneKor MSA
Classification: Uncertain significance for Hereditary cancer-predisposing syndrome. Last evaluated: 2018-08-01. Review status: criteria provided, single submitter. Criteria: ACMG Guidelines, 2015. Collection method: clinical testing. Allele origin: germline.

Illumina Laboratory Services, Illumina
Classification: Uncertain significance for Familial adenomatous polyposis 2. Last evaluated: 2017-04-27. Review status: criteria provided, single submitter. Criteria: ICSL Variant Classification Criteria 13 December 2019. Collection method: clinical testing. Allele origin: germline.

Laboratory for Molecular Medicine, Mass General Brigham Personalized Medicine
Classification: Uncertain significance. Last evaluated: 2017-01-11. Review status: criteria provided, single submitter. Criteria: LMM Criteria. Collection method: clinical testing. Allele origin: germline. Observed: 5 variant alleles.
Comment: The p.Arg426Cys variant in MUTYH has been reported in at > 8 individuals with co lorectal cancer (Aceto 2005, Aretz 2006, Sulova 2007, Gomez-Fernadez 2009, Lopez -Villar 2010, Guarinos 2014, Yurgelun 2015, Ricci 2017), 2 individuals with brea st cancer (Tung 2016), 1 individual with lung cancer (Al-Tassan 2004) and has a lso been reported by other clinical laboratories in ClinVar (Variation ID 41753) . All individuals reported in the literature were heterozygous and did not carry a second MUTYH variant. This variant has also been identified in 0.1% (184/1266 06) of European chromosomes by gnomAD. Althou gh this variant has been seen in the general population, its frequency is not hi gh enough to rule out a pathogenic role. In vitro functional studies provide som e evidence that the p.Arg426Cys variant may not impact protein function (Komine 2015) and computational prediction tools and conservation analysis suggest that the p.Arg426Cys variant may not impact the protein, though this information is n ot predictive enough to rule out pathogenicity. In summary, the clinical signifi cance of the p.Arg426Cys variant is uncertain. ACMG/AMP Criteria applied: BP4.

Color Diagnostics, LLC DBA Color Health
Classification: Likely benign for Hereditary cancer-predisposing syndrome. Last evaluated: 2016-11-07. Review status: criteria provided, single submitter. Criteria: ACMG Guidelines, 2015. Collection method: clinical testing. Allele origin: germline.

True Health Diagnostics
Classification: Uncertain significance for Hereditary cancer-predisposing syndrome. Last evaluated: 2017-09-28. Review status: no assertion criteria provided. Collection method: clinical testing. Allele origin: germline. Not counted in ClinVar's aggregate classification.

Pathway Genomics
Classification: Uncertain significance for Carcinoma of colon. Last evaluated: 2014-07-24. Review status: no assertion criteria provided. Collection method: clinical testing. Allele origin: germline. Not counted in ClinVar's aggregate classification.

Biesecker Lab/Clinical Genomics Section, National Institutes of Health
Classification: Uncertain significance. Last evaluated: 2012-07-13. Review status: no assertion criteria provided. Collection method: research. Allele origin: germline. Affected: no. Observed: 1 variant allele. Study: ClinSeq. Not counted in ClinVar's aggregate classification.
ClinVar note: Converted during submission from variant of unknown significance to Uncertain significance.

Department of Pathology and Laboratory Medicine, Sinai Health System
Classification: Uncertain significance for Carcinoma of colon. Review status: no assertion criteria provided. Collection method: clinical testing. Allele origin: unknown. Affected: yes. Study: The Canadian Open Genetics Repository (COGR). Not counted in ClinVar's aggregate classification.
Comment: The MUTYH p.Arg426Cys variant was identified in 15 of 6049 proband chromosomes (frequency: 0.003) from individuals or families with FAP, MAP, early onset colorectal cancer or breast cancer and was present in 1 of 1152 control chromosomes (frequency: 0.001) from healthy individuals (Lopez-Villar 2010, Fleischmann 2004, Aceto 2005, Aretz 2006, Kanter-Smoler 2006, Guarinos 2014, DeRycke 2017, Ricci 2017, Tung 2016). In functional complementation tests using E. coli and monitoring spontaneous mutation rates, the variant was found to be functionally retained (Komine 2015). The variant was also identified in dbSNP (ID: rs150792276) as "With Uncertain significance allele", ClinVar (classified as likely benign by Invitae and Ambry Genetics; as uncertain significance by GeneDx and nine other submitters) and in UMD (8x as an unvalidated variant). In UMD the variant was identified with co-occurring pathogenic MUTYH variants c.1145G>A, p.Gly382Asp and c.692G>A, p.Arg231His. The variant was also identified by our laboratory in 5 individuals with colon cancer (no co-occurrence with a pathogenic variant). The variant was identified in control databases in 226 of 277022 chromosomes (1 homozygous) at a frequency of 0.0008 increasing the likelihood this could be a low frequency benign variant (Genome Aggregation Database Feb 27, 2017). The variant was observed in the following populations: African in 8 of 24010 chromosomes (freq: 0.0003), Other in 7 of 6454 chromosomes (freq: 0.001), Latino in 8 of 34418 chromosomes (freq: 0.0002), European in 184 of 126606 chromosomes (freq: 0.001), East Asian in 19 of 18866 chromosomes (freq: 0.001); it was not observed in the Ashkenazi Jewish, Finnish, and South Asian populations. The p.Arg426 residue is not conserved in mammals and computational analyses (PolyPhen-2, SIFT, AlignGVGD, BLOSUM, MutationTaster) provide inconsistent predictions regarding the impact to the protein; this information is not very predictive of pathogenicity. The variant occurs outside of the splicing consensus sequence and in silico or computational prediction software programs (SpliceSiteFinder, MaxEntScan, NNSPLICE, GeneSplicer) do not predict a difference in splicing. In summary, based on the above information the clinical significance of this variant cannot be determined with certainty at this time. This variant is classified as a variant of uncertain significance.

Literature cited by the submitters: PubMed 27829682 (cited by 4 submitters); PubMed 33383211 (cited by 4 submitters); PubMed 40738107 (cited by Center for Genomic Medicine, Rigshospitalet, Copenhagen University Hospital); PubMed 19531215 (cited by 6 submitters); PubMed 24470512 (cited by 3 submitters); PubMed 17524638 (cited by 3 submitters); PubMed 25569433 (cited by Quest Diagnostics Nichols Institute San Juan Capistrano and Mayo Clinic Laboratories, Mayo Clinic); PubMed 19725997 (cited by Quest Diagnostics Nichols Institute San Juan Capistrano); PubMed 17581577 (cited by Quest Diagnostics Nichols Institute San Juan Capistrano); PubMed 26377631 (cited by Quest Diagnostics Nichols Institute San Juan Capistrano).